The following is an entry in ClinVar:

ClinVar aggregate classification (germline): Uncertain significance (1 of 4 stars; one submission).

Submission:

Labcorp Genetics (formerly Invitae), Labcorp
Classification: Uncertain significance. Last evaluated: 2024-05-14. Review status: criteria provided, single submitter. Criteria: Invitae Variant Classification Sherloc (09022015). Collection method: clinical testing. Allele origin: germline.
Comment: This sequence change replaces aspartic acid, which is acidic and polar, with glutamic acid, which is acidic and polar, at codon 1121 of the CYFIP2 protein (p.Asp1121Glu). This variant is not present in population databases (gnomAD no frequency). This variant has not been reported in the literature in individuals affected with CYFIP2-related conditions. Experimental studies and prediction algorithms are not available or were not evaluated, and the functional significance of this variant is currently unknown. In summary, the available evidence is currently insufficient to determine the role of this variant in disease. Therefore, it has been classified as a Variant of Uncertain Significance.

NM_001037333.3(CYFIP2):c.3363T>A (p.Asp1121Glu)

Genes: CYFIP2 (cytoplasmic FMR1 interacting protein 2; plus strand), NIPAL4-DT (NIPAL4 divergent transcript; minus strand). Cytogenetic location: 5q33.3.
Variant type: single nucleotide variant.
Coding change: c.3363T>A on transcript NM_001037333.3 (MANE Select); coding-DNA position 3363, T replaced by A.
Protein change: p.Asp1121Glu; replaces aspartic acid 1121 with glutamic acid.
Molecular consequence: missense variant.
Genome position (GRCh38, 1-based): chr5:157,389,344, T>A. VCF-style: chr5-157389344-T-A. GRCh37 (hg19) VCF-style: chr5-156816352-T-A.
Other names: c.3285T>A, p.Asp1095Glu (NM_001291721.2); c.3438T>A, p.Asp1146Glu (NM_001291722.2); c.3363T>A, p.Asp1121Glu (NM_014376.4); short protein forms D1121E, D1146E, D1095E.
Identifiers: ClinVar variation 3651172 (VCV003651172.2).
Genomic context (GRCh38, chr5:157,389,344, plus strand): 5'-CTACCTGCAGGACCCCATCTGGCGGGGCCCACCGCCCACCAATGGCGTCATGCACGTCGA[T>A]GAGTGTGTGGAGTTCCACCGGCTGTGGAGCGCCATGCAGTTCGTGTACTGCATCCCTGTG-3'
Protein context (NP_001032410.1, residues 1111-1131): PPPTNGVMHV[Asp1121Glu]ECVEFHRLWS